The following is an entry in ClinVar:

ClinVar aggregate classification (germline): Pathogenic/Likely pathogenic. Review status: criteria provided, multiple submitters, no conflicts (2 of 4 stars). 5 submissions from 5 submitters: Pathogenic (4); Likely pathogenic (1). Last evaluated 2025-09-10.

Conditions:
Pseudo-TORCH syndrome 1 (PTORCH1). Identifiers: Orphanet 1229, MedGen C4552078, MONDO:0020789, OMIM 251290.

Allele frequency attached by ClinVar (database versions not stated): gnomAD 0.00002.

Submissions (5):

Genomic Medicine Center of Excellence, King Faisal Specialist Hospital and Research Centre
Classification: Pathogenic for Pseudo-TORCH syndrome 1. Last evaluated: 2025-09-10. Review status: criteria provided, single submitter. Criteria: ACMG Guidelines, 2015. Collection method: clinical testing. Allele origin: germline.

Dubai Health Genomic Medicine Center, Dubai Health
Classification: Pathogenic for Pseudo-TORCH syndrome 1. Last evaluated: 2024-10-04. Review status: criteria provided, single submitter. Criteria: ACMG Guidelines, 2015. Collection method: research. Allele origin: germline. Affected: yes.
Comment: PVS1, PM2, PM3

Fulgent Genetics
Classification: Likely pathogenic for Pseudo-TORCH syndrome 1. Last evaluated: 2024-04-10. Review status: criteria provided, single submitter. Criteria: ACMG Guidelines, 2015. Collection method: clinical testing. Allele origin: germline.

Broad Center for Mendelian Genomics, Broad Institute of MIT and Harvard
Classification: Pathogenic for Pseudo-TORCH syndrome 1. Last evaluated: 2023-05-02. Review status: criteria provided, single submitter. Criteria: ACMG Guidelines, 2015. Collection method: curation. Allele origin: germline. Inheritance: Autosomal recessive inheritance.
Comment: The homozygous c.1037+1G>A variant in OCLN was identified by our study in two siblings with intellectual disability and seizures (PMID: 35769956). The c.1037+1G>A variant in OCLN has been previously reported in one individual with pseudo-TORCH syndrome type 1 (PMID: 34374989) but has been identified in 0.01% (1/9210) of Ashkenazi Jewish chromosomes by the Genome Aggregation Database (gnomAD; dbSNP ID: rs748442113). Although this variant has been seen in the general population in a heterozygous state, its frequency is low enough to be consistent with a recessive carrier frequency. This variant has also been reported in ClinVar (Variation ID: 436101) and has been interpreted as pathogenic by the University of Chicago Genetic Services Laboratory. The individual previously reported (PMID: 34374989) and the siblings identified by our study (PMID: 35769956) were homozygotes, which increases the likelihood that the c.1037+1G>A variant is pathogenic. This variant is located in the 5' splice region. Computational tools do suggest an impact to splicing. However, this information is not predictive enough to determine pathogenicity. Loss of function of the OCLN gene is an established disease mechanism in autosomal recessive pseudo-TORCH syndrome type 1. In summary, this variant meets criteria to be classified as pathogenic for autosomal recessive pseudo-TORCH syndrome type 1. ACMG/AMP Criteria applied: PVS1, PM2_Supporting, PM3 (Richards 2015).

Genetic Services Laboratory, University of Chicago
Classification: Pathogenic for Band-like calcification with simplified gyration and polymicrogyria. Last evaluated: 2017-01-31. Review status: criteria provided, single submitter. Criteria: ACMG Guidelines, 2015. Collection method: clinical testing. Allele origin: germline. Affected: yes.

NM_001205254.2(OCLN):c.1037+1G>A

Gene: OCLN (occludin; plus strand). Cytogenetic location: 5q13.2.
Variant type: single nucleotide variant.
Coding change: c.1037+1G>A on transcript NM_001205254.2 (MANE Select); the canonical splice donor site of the intron after coding-DNA position 1037, G replaced by A.
Molecular consequence: splice donor variant.
Genome position (GRCh38, 1-based): chr5:69,534,840, G>A. VCF-style: chr5-69534840-G-A. GRCh37 (hg19) VCF-style: chr5-68830667-G-A.
Other names: c.1037+1G>A (NM_001438604.1, NM_002538.4); c.875+1G>A (NM_001410743.1, NM_001438048.1); c.284+1G>A (NM_001205255.2).
Identifiers: ClinVar variation 436101 (VCV000436101.10), dbSNP rs748442113, ClinGen allele CA3294566.